The following is an entry in ClinVar:

ClinVar aggregate classification (germline): Uncertain significance (1 of 4 stars; one submission).

Allele frequency attached by ClinVar (database versions not stated): gnomAD exomes below 0.00001; ExAC 0.00001; gnomAD 0.00001; TOPMed 0.00002.
gnomAD v4.1: 7 of 1,613,882 alleles (0.00043%); highest among the groups gnomAD compares: Non-Finnish European, 0.00059%; no homozygotes.

Submission:

Labcorp Genetics (formerly Invitae), Labcorp
Classification: Uncertain significance. Last evaluated: 2021-12-30. Review status: criteria provided, single submitter. Criteria: Invitae Variant Classification Sherloc (09022015). Collection method: clinical testing. Allele origin: germline.
Comment: This variant is not present in population databases (gnomAD no frequency). This sequence change replaces leucine, which is neutral and non-polar, with arginine, which is basic and polar, at codon 283 of the MAPKAPK3 protein (p.Leu283Arg). In summary, the available evidence is currently insufficient to determine the role of this variant in disease. Therefore, it has been classified as a Variant of Uncertain Significance. Algorithms developed to predict the effect of missense changes on protein structure and function (SIFT, PolyPhen-2, Align-GVGD) all suggest that this variant is likely to be tolerated. This variant has not been reported in the literature in individuals affected with MAPKAPK3-related conditions.

NM_001243925.2(MAPKAPK3):c.848T>G (p.Leu283Arg)

Gene: MAPKAPK3 (MAPK activated protein kinase 3; plus strand). Cytogenetic location: 3p21.2.
Variant type: single nucleotide variant.
Coding change: c.848T>G on transcript NM_001243925.2 (MANE Select); coding-DNA position 848, T replaced by G.
Protein change: p.Leu283Arg; replaces leucine 283 with arginine.
Molecular consequence: missense variant.
Genome position (GRCh38, 1-based): chr3:50,646,758, T>G. VCF-style: chr3-50646758-T-G. GRCh37 (hg19) VCF-style: chr3-50684189-T-G.
Other names: c.848T>G, p.Leu283Arg (NM_001243926.2, NM_004635.5); short protein forms L283R.
Identifiers: ClinVar variation 1488786 (VCV001488786.6), dbSNP rs748349748, ClinGen allele CA2420402.
Genomic context (GRCh38, chr3:50,646,758, plus strand): 5'-TCTGCAATCTCATCTCTCCCCTCTCTTCCCTGGCCCCCCTAGCCAAGCAGCTGATCCGCC[T>G]CCTGTTGAAGACAGACCCCACAGAGAGGCTGACCATCACTCAGTTCATGAACCACCCCTG-3'
Protein context (NP_001230854.1, residues 273-293): VSEDAKQLIR[Leu283Arg]LLKTDPTERL